The following is an entry in ClinVar:

ClinVar aggregate classification (germline): Likely benign (1 of 4 stars; one submission).

Submission:

CeGaT Center for Human Genetics Tuebingen
Classification: Likely benign. Last evaluated: 2022-03-01. Review status: criteria provided, single submitter. Criteria: CeGaT Center For Human Genetics Tuebingen Variant Classification Criteria Version 2. Collection method: clinical testing. Allele origin: germline. Affected: yes. Observed: 1 variant allele.
Comment: CHRNB2: BP4, BP7

NM_000748.3(CHRNB2):c.174A>G (p.Val58=)

Gene: CHRNB2 (cholinergic receptor nicotinic beta 2 subunit; plus strand). Cytogenetic location: 1q21.3.
Variant type: single nucleotide variant.
Coding change: c.174A>G on transcript NM_000748.3 (MANE Select); coding-DNA position 174, A replaced by G.
Protein change: p.Val58=; no amino-acid change (valine 58 retained).
Molecular consequence: synonymous variant.
Genome position (GRCh38, 1-based): chr1:154,569,571, A>G. VCF-style: chr1-154569571-A-G. GRCh37 (hg19) VCF-style: chr1-154542047-A-G.
Identifiers: ClinVar variation 2639371 (VCV002639371.24), dbSNP rs2526363318, ClinGen allele CA420969805.
Genomic context (GRCh38, chr1:154,569,571, plus strand): 5'-TCCTTCCCGCTACAACAAGCTTATCCGCCCAGCCACCAATGGCTCTGAGCTGGTGACAGT[A>G]CAGCTTATGGTGTCACTGGCCCAGCTCATCAGTGTGGTGAGTAGAGGTCCCAGGCTCTCT-3'
Protein context (NP_000739.1, residues 48-68): PATNGSELVT[Val58=]QLMVSLAQLI